The following is an entry in ClinVar:

ClinVar aggregate classification (germline): Uncertain significance (1 of 4 stars; one submission).

gnomAD v4.1: 4 of 1,613,412 alleles (0.00025%); highest among the groups gnomAD compares: Admixed American, 0.0067%; no homozygotes.

Submission:

Labcorp Genetics (formerly Invitae), Labcorp
Classification: Uncertain significance. Last evaluated: 2025-06-02. Review status: criteria provided, single submitter. Criteria: Invitae Variant Classification Sherloc (09022015). Collection method: clinical testing. Allele origin: germline.
Comment: This sequence change replaces methionine, which is neutral and non-polar, with valine, which is neutral and non-polar, at codon 766 of the CLCN2 protein (p.Met766Val). This variant is present in population databases (no rsID available, gnomAD 0.003%). This variant has not been reported in the literature in individuals affected with CLCN2-related conditions. ClinVar contains an entry for this variant (Variation ID: 3730675). Invitae Evidence Modeling of protein sequence and biophysical properties (such as structural, functional, and spatial information, amino acid conservation, physicochemical variation, residue mobility, and thermodynamic stability) indicates that this missense variant is not expected to disrupt CLCN2 protein function with a negative predictive value of 80%. In summary, the available evidence is currently insufficient to determine the role of this variant in disease. Therefore, it has been classified as a Variant of Uncertain Significance.

NM_004366.6(CLCN2):c.2296A>G (p.Met766Val)

Gene: CLCN2 (chloride voltage-gated channel 2; minus strand). Cytogenetic location: 3q27.1.
Variant type: single nucleotide variant.
Coding change: c.2296A>G on transcript NM_004366.6 (MANE Select); coding-DNA position 2296, A replaced by G.
Protein change: p.Met766Val; replaces methionine 766 with valine.
Molecular consequence: missense variant.
Genome position (GRCh38, 1-based): chr3:184,352,307, T>C on the plus strand (A>G on the coding strand, the complement: CLCN2 is on the minus strand). VCF-style: chr3-184352307-T-C. GRCh37 (hg19) VCF-style: chr3-184070095-T-C.
Other names: c.2245A>G, p.Met749Val (NM_001171087.3); c.2164A>G, p.Met722Val (NM_001171088.3); c.2296A>G, p.Met766Val (NM_001171089.3); short protein forms M722V, M749V, M766V.
Identifiers: ClinVar variation 3730675 (VCV003730675.2).
Genomic context (GRCh38, chr3:184,352,307, plus strand): 5'-AACACAACCAGGAAGAAACAGGGTCCAGAGTCCAGTGGCACCTTACCTCTTCAGGGCTCA[T>C]CTCGCCTTCCAGGTCCGCGTCACTCTAGTAGAGAGGGAGGGAGGCTGGCAGCTAGGGGCT-3'
Protein context (NP_004357.3, residues 756-776): LASDADLEGE[Met766Val]SPEEILEWEE